The following is an entry in ClinVar:

NM_000277.3(PAH):c.970A>G (p.Ile324Val)

Gene: PAH (phenylalanine hydroxylase; minus strand). Cytogenetic location: 12q23.2.
Variant type: single nucleotide variant.
Coding change: c.970A>G on transcript NM_000277.3 (MANE Select); coding-DNA position 970, A replaced by G.
Protein change: p.Ile324Val; replaces isoleucine 324 with valine.
Molecular consequence: missense variant.
Genome position (GRCh38, 1-based): chr12:102,844,431, T>C on the plus strand (A>G on the coding strand, the complement: PAH is on the minus strand). VCF-style: chr12-102844431-T-C. GRCh37 (hg19) VCF-style: chr12-103238209-T-C.
Other names: c.970A>G, p.Ile324Val (NM_001354304.2); short protein forms I324V.
Identifiers: ClinVar variation 987909 (VCV000987909.9), dbSNP rs1221031352, ClinGen allele CA16020911.

ClinVar aggregate classification (germline): Uncertain significance. Review status: reviewed by expert panel (3 of 4 stars). 4 submissions from 4 submitters: Uncertain significance (1). 3 of the submissions do not count toward it. Last evaluated 2020-07-25.

Conditions:
Phenylketonuria (PKU). Also called: OLIGOPHRENIA PHENYLPYRUVICA; Phenylketonuria (PKU); Phenylketonurias; FOLLING DISEASE. Identifiers: Orphanet 716, MedGen C0031485, MONDO:0009861, OMIM 261600. Disease mechanism: loss of function.

Allele frequency attached by ClinVar (database versions not stated): gnomAD exomes below 0.00001; gnomAD 0.00001; TOPMed 0.00001.
gnomAD v4.1: 3 of 1,607,574 alleles (0.00019%); highest among the groups gnomAD compares: Non-Finnish European, 0.00026%; no homozygotes.

Submissions (4):

ClinGen PAH Variant Curation Expert Panel
Classification: Uncertain significance for Phenylketonuria. Last evaluated: 2020-07-25. Review status: reviewed by expert panel. Criteria: ClinGen PAH ACMG Specifications v1. Collection method: curation. Allele origin: germline. Inheritance: Autosomal recessive inheritance.
Comment: The NM_000277.3:c.970A>G (p.Ile324Val) variant is a missense variant in exon 10/13 of PAH. It has been previously reported in a patient with mild hyperphenylalanemia (plasma Phe 230 uM) in confirmed trans with the c.441+5G>T variant (ClinVar Pathogenic (ID 92742); Pathogenic per ClinGen PAH VCEP); BH4 deficiency was not stated to have been excluded (PP4; PM3) (PMID: 15159646). The variant is absent from ethnically diverse control databases, including gnomAD/ExAC, 1000 Genomes, and ESP (PM2). In-silico pathogenicity predictors are conflicting and REVEL=0.534, such that PP3 is not met. Classification: VUS â€“ insufficient evidence Supporting Criteria: PM2; PM3; PP4

Myriad Genetics, Inc.
Classification: Uncertain significance for Phenylketonuria. Last evaluated: 2026-06-09. Review status: criteria provided, single submitter. Criteria: Myriad Autosomal Dominant, Autosomal Recessive and X-Linked Classification Criteria (2023). Collection method: clinical testing. Allele origin: unknown. Not counted in ClinVar's aggregate classification.
Comment: NM_000277.1(PAH):c.970A>G(I324V) is a missense variant classified as a variant of uncertain significance in the context of phenylalanine hydroxylase deficiency. I324V has been observed in a case with relevant disease (PMID: 15159646). Relevant functional assessments of this variant are not available in the literature. I324V has not been observed in referenced population frequency databases. In summary, there is insufficient evidence to classify NM_000277.1(PAH):c.970A>G(I324V) as pathogenic or benign. Please note: this variant was assessed in the context of healthy population screening.

Women's Health and Genetics/Laboratory Corporation of America, LabCorp
Classification: Likely pathogenic for Phenylketonuria. Last evaluated: 2025-10-24. Review status: criteria provided, single submitter. Criteria: LabCorp Variant Classification Summary - May 2015. Collection method: clinical testing. Allele origin: germline. Not counted in ClinVar's aggregate classification.
Comment: Variant summary: PAH c.970A>G (p.Ile324Val) results in a conservative amino acid change located in the Aromatic amino acid hydroxylase, C-terminal (IPR019774) of the encoded protein sequence. Algorithms developed to predict the effect of missense changes on protein structure and function are either unavailable or do not agree on the potential impact of this missense change. Consensus agreement among computation tools predict no significant impact on normal splicing. However, these predictions have yet to be confirmed by functional studies. The variant was absent in 250620 control chromosomes. The available data on variant occurrences in the general population are insufficient to allow any conclusion about variant significance. c.970A>G has been observed an individual affected with Phenylalanine Hydroxylase Deficiency (Phenylketonuria) (Johnston_2004). This report does not provide unequivocal conclusions about association of the variant with Phenylalanine Hydroxylase Deficiency (Phenylketonuria). To our knowledge, no experimental evidence demonstrating an impact on protein function has been reported. A different variant affecting the same codon, c.971T>A (p.Ile324Asn) has been classified as pathogenic by the ClinGen PAH Variant Curation Expert Panel. The following publication has been ascertained in the context of this evaluation (PMID: 15159646). ClinVar contains an entry for this variant (Variation ID: 987909). Based on the evidence outlined above, the variant was classified as likely pathogenic.

Labcorp Genetics (formerly Invitae), Labcorp
Classification: Pathogenic for Phenylketonuria. Last evaluated: 2024-03-07. Review status: criteria provided, single submitter. Criteria: Invitae Variant Classification Sherloc (09022015). Collection method: clinical testing. Allele origin: germline. Not counted in ClinVar's aggregate classification.
Comment: This sequence change replaces isoleucine, which is neutral and non-polar, with valine, which is neutral and non-polar, at codon 324 of the PAH protein (p.Ile324Val). This variant is not present in population databases (gnomAD no frequency). This missense change has been observed in individual(s) with hyperphenylalaninemia (PMID: 15159646). In at least one individual the data is consistent with being in trans (on the opposite chromosome) from a pathogenic variant. ClinVar contains an entry for this variant (Variation ID: 987909). An algorithm developed to predict the effect of missense changes on protein structure and function (PolyPhen-2) suggests that this variant is likely to be tolerated. This variant disrupts the p.Ile324 amino acid residue in PAH. Other variant(s) that disrupt this residue have been determined to be pathogenic (PMID: 15159646, 24327145, 29731766). This suggests that this residue is clinically significant, and that variants that disrupt this residue are likely to be disease-causing. For these reasons, this variant has been classified as Pathogenic.

Literature cited by the submitters: PubMed 15159646 (cited by 4 submitters); PubMed 24327145 (cited by Labcorp Genetics (formerly Invitae), Labcorp); PubMed 29731766 (cited by Labcorp Genetics (formerly Invitae), Labcorp).